The following is an entry in ClinVar:

NM_000218.3(KCNQ1):c.1393+27598C>T

Genes: KCNQ1 (potassium voltage-gated channel subfamily Q member 1; plus strand), KCNQ1OT1 (KCNQ1 opposite strand/antisense transcript 1; minus strand). Cytogenetic location: 11p15.5.
Variant type: single nucleotide variant.
Coding change: c.1393+27598C>T on transcript NM_000218.3 (MANE Select); 27598 bases into the intron after coding-DNA position 1393, C replaced by T.
Molecular consequence: intron variant. On other transcripts: non-coding transcript variant (1).
Genome position (GRCh38, 1-based): chr11:2,616,452, C>T. VCF-style: chr11-2616452-C-T. GRCh37 (hg19) VCF-style: chr11-2637682-C-T.
Other names: c.1123+27598C>T (NM_001406837.1); c.1297+27598C>T (NM_001406836.1); c.853+27598C>T (NM_001406838.1); c.1012+27598C>T (NM_181798.2).
Identifiers: ClinVar variation 3356598 (VCV003356598.1).

ClinVar aggregate classification (germline): Likely benign (0 of 4 stars; one submission).

Conditions:
KCNQ1-related disorder. Also called: KCNQ1-related condition; KCNQ1-related disorders. Identifiers: MedGen CN239322.

Submission:

PreventionGenetics, part of Exact Sciences
Classification: Likely benign for KCNQ1-related condition. Last evaluated: 2024-03-22. Review status: no assertion criteria provided. Collection method: clinical testing. Allele origin: germline.
Comment: This variant is classified as likely benign based on ACMG/AMP sequence variant interpretation guidelines (Richards et al. 2015 PMID: 25741868, with internal and published modifications).